The following is an entry in ClinVar:

NM_001270.4(CHD1):c.4419A>C (p.Gln1473His)

Gene: CHD1 (chromodomain helicase DNA binding protein 1; minus strand). Cytogenetic location: 5q15.
Variant type: single nucleotide variant.
Coding change: c.4419A>C on transcript NM_001270.4 (MANE Select); coding-DNA position 4419, A replaced by C.
Protein change: p.Gln1473His; replaces glutamine 1473 with histidine.
Molecular consequence: missense variant. On other transcripts: non-coding transcript variant (1).
Genome position (GRCh38, 1-based): chr5:98,863,416, T>G on the plus strand (A>C on the coding strand, the complement: CHD1 is on the minus strand). VCF-style: chr5-98863416-T-G. GRCh37 (hg19) VCF-style: chr5-98199120-T-G.
Other names: c.4683A>C, p.Gln1561His (NM_001364113.3); c.4419A>C, p.Gln1473His (NM_001376194.2); short protein forms Q1473H, Q1561H.
Identifiers: ClinVar variation 4881061 (VCV004881061.2).

ClinVar aggregate classification (germline): Uncertain significance (1 of 4 stars; one submission).

Submission:

Dasa
Classification: Uncertain significance. Last evaluated: 2024-12-30. Review status: criteria provided, single submitter. Criteria: DASA Assertion Criteria. Collection method: clinical testing. Allele origin: germline.
Comment: NM_001270.4(CHD1):c.4419A>C (p.Gln1473His) is a missense variant that results in the substitution of glutamine with histidine. This variant is absent from population databases. The currently available literature and clinical evidence are not sufficient to establish a definitive association between this variant and the reported condition. Therefore, this variant is classified as a variant of uncertain significance.